The following is an entry in ClinVar:

ClinVar aggregate classification (germline): Conflicting classifications of pathogenicity. Review status: criteria provided, conflicting classifications (1 of 4 stars). 2 submissions from 2 submitters: Uncertain significance (1); Likely benign (1). Last evaluated 2023-03-23.

Conditions:
Hereditary cancer-predisposing syndrome. Also called: Neoplastic Syndromes, Hereditary; Tumor predisposition; Hereditary Cancer Syndrome; Hereditary neoplastic syndrome. Identifiers: Orphanet 140162, MedGen C0027672, MeSH D009386, MONDO:0015356.

Submissions (2):

University of Washington Department of Laboratory Medicine, University of Washington
Classification: Likely benign for Hereditary cancer-predisposing syndrome. Last evaluated: 2023-03-23. Review status: criteria provided, single submitter. Criteria: Dines et al. (Genet Med. 2020). Collection method: curation. Allele origin: germline.
Comment: Missense variant in a coldspot region where missense variants are very unlikely to be pathogenic (PMID:31911673).

BRCA1 coldspot (exon 11 using historical exon numbering). Reclassification based on statistical prior probability

Ambry Genetics
Classification: Uncertain significance for Hereditary cancer-predisposing syndrome. Last evaluated: 2021-04-20. Review status: criteria provided, single submitter. Criteria: Ambry Variant Classification Scheme 2023. Collection method: clinical testing. Allele origin: germline.
Comment: The p.N287K variant (also known as c.861C>A), located in coding exon 9 of the BRCA1 gene, results from a C to A substitution at nucleotide position 861. The asparagine at codon 287 is replaced by lysine, an amino acid with similar properties. This amino acid position is not well conserved in available vertebrate species. In addition, the in silico prediction for this alteration is inconclusive. Since supporting evidence is limited at this time, the clinical significance of this alteration remains unclear.

NM_007294.4(BRCA1):c.861C>A (p.Asn287Lys)

Gene: BRCA1 (BRCA1 DNA repair associated; minus strand). Cytogenetic location: 17q21.31.
Variant type: single nucleotide variant.
Coding change: c.861C>A on transcript NM_007294.4 (MANE Select); coding-DNA position 861, C replaced by A.
Protein change: p.Asn287Lys; replaces asparagine 287 with lysine.
Molecular consequence: missense variant. On other transcripts: intron variant (137), 5 prime UTR variant (2).
Genome position (GRCh38, 1-based): chr17:43,094,670, G>T on the plus strand (C>A on the coding strand, the complement: BRCA1 is on the minus strand). VCF-style: chr17-43094670-G-T. GRCh37 (hg19) VCF-style: chr17-41246687-G-T.
Other names: c.545-3638C>A (NM_001408495.1); c.661+74C>A (NM_001408448.1, NM_001408446.1, NM_001408435.1 and 6 more transcripts); c.858C>A, p.Asn286Lys (NM_001407612.1, NM_001407613.1, NM_001407614.1 and 22 more transcripts); c.861C>A, p.Asn287Lys (NM_001407620.1, NM_001407621.1, NM_001407622.1 and 30 more transcripts); c.784+74C>A (NM_001407991.1, NM_001408397.1, NM_001408401.1 and 13 more transcripts); c.664+74C>A (NM_001408427.1, NM_001408436.1, NM_001408444.1 and 12 more transcripts); c.523+74C>A (NM_001408496.1, NM_001408498.1, NM_001408501.1 and 3 more transcripts); c.646+74C>A (NM_001408460.1, NM_001408458.1, NM_001408469.1 and 11 more transcripts); and 40 more; short protein forms N159K, N217K, N246K, N284K, N119K, N175K, N198K, N199K.
Identifiers: ClinVar variation 1764054 (VCV001764054.4), dbSNP rs1064794692, ClinGen allele CA10600358.